The following is an entry in ClinVar:

NM_001232.4(CASQ2):c.115G>T (p.Glu39Ter)

Gene: CASQ2 (calsequestrin 2; minus strand). Cytogenetic location: 1p13.1.
Variant type: single nucleotide variant.
Coding change: c.115G>T on transcript NM_001232.4 (MANE Select); coding-DNA position 115, G replaced by T.
Protein change: p.Glu39Ter; replaces glutamic acid 39 with a stop codon.
Molecular consequence: nonsense.
Genome position (GRCh38, 1-based): chr1:115,768,427, C>A on the plus strand (G>T on the coding strand, the complement: CASQ2 is on the minus strand). VCF-style: chr1-115768427-C-A. GRCh37 (hg19) VCF-style: chr1-116311048-C-A.
Other names: short protein forms E39*.
Identifiers: ClinVar variation 488772 (VCV000488772.7), dbSNP rs756636650, ClinGen allele CA341767232.

ClinVar aggregate classification (germline): Pathogenic/Likely pathogenic. Review status: criteria provided, multiple submitters, no conflicts (2 of 4 stars). 3 submissions from 3 submitters: Pathogenic (1); Likely pathogenic (2). Last evaluated 2025-01-21.

Conditions:
Catecholaminergic polymorphic ventricular tachycardia 2. Also called: CASQ2-Related Catecholaminergic Polymorphic Ventricular Tachycardia; VENTRICULAR TACHYCARDIA, STRESS-INDUCED POLYMORPHIC 2. Identifiers: Orphanet 3286, MedGen C2677794, MONDO:0012762, OMIM 611938.
Catecholaminergic polymorphic ventricular tachycardia 1. Also called: RYR2-Related Catecholaminergic Polymorphic Ventricular Tachycardia; VENTRICULAR TACHYCARDIA, CATECHOLAMINERGIC POLYMORPHIC, 1, WITH OR WITHOUT ATRIAL DYSFUNCTION AND/OR DILATED CARDIOMYOPATHY; VENTRICULAR TACHYCARDIA, STRESS-INDUCED POLYMORPHIC 1. Identifiers: Orphanet 3286, MedGen C1631597, MONDO:0011484, OMIM 604772.

gnomAD v4.1: 2 of 1,613,644 alleles (0.00012%); highest among the groups gnomAD compares: Non-Finnish European, 0.00017%; no homozygotes.

Submissions (3):

Labcorp Genetics (formerly Invitae), Labcorp
Classification: Pathogenic for Catecholaminergic polymorphic ventricular tachycardia 1. Last evaluated: 2025-01-21. Review status: criteria provided, single submitter. Criteria: Invitae Variant Classification Sherloc (09022015). Collection method: clinical testing. Allele origin: germline.
Comment: This sequence change creates a premature translational stop signal (p.Glu39*) in the CASQ2 gene. It is expected to result in an absent or disrupted protein product. Loss-of-function variants in CASQ2 are known to be pathogenic (PMID: 12386154). This variant is not present in population databases (gnomAD no frequency). This premature translational stop signal has been observed in individual(s) with catecholaminergic polymorphic ventricular tachycardia (PMID: 32693635). ClinVar contains an entry for this variant (Variation ID: 488772). For these reasons, this variant has been classified as Pathogenic.

Genome-Nilou Lab
Classification: Likely pathogenic for Catecholaminergic polymorphic ventricular tachycardia 2. Last evaluated: 2023-04-11. Review status: criteria provided, single submitter. Criteria: ACMG Guidelines, 2015. Collection method: clinical testing. Allele origin: germline. Affected: no.

GeneDx
Classification: Likely pathogenic. Last evaluated: 2017-08-01. Review status: criteria provided, single submitter. Criteria: GeneDx Variant Classification (06012015). Collection method: clinical testing. Allele origin: germline. Affected: yes.
Comment: The E39X variant in the CASQ2 gene has not been reported as a pathogenic variant or as a benign variant to our knowledge. E39X is predicted to cause loss of normal protein function either by protein truncation or nonsense-mediated mRNA decay. Other nonsense variants in the CASQ2 gene have been reported in the Human Gene Mutation Database in association with polymorphic ventricular tachycardia (Stenson et al., 2014). Furthermore, the E39X variant was not observed in approximately 6,500 individuals of European and African American ancestry in the NHLBI Exome Sequencing Project, indicating it is not a common benign variant in these populations.In summary, E39X in the CASQ2 gene previously reported as a pathogenic variant, has been classified as a likely pathogenic variant based on review of the data in the context of the 2015 ACMG Standards and Guidelines for the interpretation of sequence variants (Richards et al., 2015).

Literature cited by the submitters: PubMed 12386154 (cited by Labcorp Genetics (formerly Invitae), Labcorp); PubMed 32693635 (cited by Labcorp Genetics (formerly Invitae), Labcorp).